The following is an entry in ClinVar:

ClinVar aggregate classification (germline): Pathogenic/Likely pathogenic. Review status: criteria provided, multiple submitters, no conflicts (2 of 4 stars). 12 submissions from 11 submitters: Pathogenic (8); Likely pathogenic (1). 3 of the submissions do not count toward it. Last evaluated 2026-06-15.

Conditions:
ABCC6-related disorder. Also called: ABCC6-related condition.
Arterial calcification, generalized, of infancy, 2. Identifiers: Orphanet 51608, MedGen C3276161, MONDO:0013768, OMIM 614473.
Autosomal recessive inherited pseudoxanthoma elasticum (PXE). Identifiers: Orphanet 758, MedGen CN032334, MONDO:0009925, OMIM 264800.
Pseudoxanthoma elasticum, forme fruste. Also called: Pseudoxanthoma Elasticum, Incomplete; PSEUDOXANTHOMA ELASTICUM, HETEROZYGOUS. Identifiers: Orphanet 758, MedGen C1867450, MONDO:0008333, OMIM 177850.

Allele frequency attached by ClinVar (database versions not stated): gnomAD exomes 0.00004; TOPMed 0.00002; gnomAD 0.00001; ExAC 0.00005.
gnomAD v4.1: 26 of 1,609,794 alleles (0.0016%); highest among the groups gnomAD compares: Non-Finnish European, 0.0019%; no homozygotes.

Submissions (13):

PreventionGenetics, part of Exact Sciences
Classification: Pathogenic for ABCC6-related condition. Last evaluated: 2026-06-15. Review status: criteria provided, single submitter. Criteria: ACMG Guidelines, 2015. Collection method: clinical testing. Allele origin: germline.
Comment: The ABCC6 c.3736-1G>A variant is predicted to disrupt the AG splice acceptor site and interfere with normal splicing. If this variant causes skipping of this exon, it is predicted to result in an in-frame deletion of 49 amino acids. This variant has been reported in the homozygous state or along with a second causative ABCC6 variant in multiple individuals with pseudoxanthoma elasticum (PXE) and segregation with autosomal recessive PXE was demonstrated in at least one family (Ringpfeil et al. 2000. PubMed ID: 10811882; Table S1A, Szeri et al. 2022. PubMed ID: 36317459; Schulz et al. 2006. PubMed ID: 16835894). This variant has also been reported along with a second causative ABCC6 variant in at least two individuals with generalized arterial calcification of infancy (GACI) (Nitschke et al. 2011. PubMed ID: 22209248; Li et al. 2013. PubMed ID: 24008425). This variant is present in 0.0080% of alleles in individuals of European (non-Finnish) descent in gnomAD. Variants that disrupt the consensus splice acceptor site in ABCC6 are an established mechanism of disease. This variant is interpreted as pathogenic.

GeneDx
Classification: Pathogenic. Last evaluated: 2026-03-18. Review status: criteria provided, single submitter. Criteria: GeneDx Variant Classification Process June 2021. Collection method: clinical testing. Allele origin: germline.
Comment: Reported in a proband with generalized arterial calcification of infancy who also harbors an additional splice site variant in the ABCC6 gene (PMID: 24008425); Canonical splice site variant predicted to result in a null allele in a gene for which loss of function is a known mechanism of disease; This variant is associated with the following publications: (PMID: 25525159, 15894595, 23485117, 22209248, 10811882, 16086317, 31589614, 34426522, 15723264, 11536079, 16127278, 16835894, 15459974, 28655553, 21167005, 11179012, 34205333, 34906475, 36317459, 24008425)

Labcorp Genetics (formerly Invitae), Labcorp
Classification: Pathogenic. Last evaluated: 2025-09-10. Review status: criteria provided, single submitter. Criteria: Invitae Variant Classification Sherloc (09022015). Collection method: clinical testing. Allele origin: germline.
Comment: This sequence change affects an acceptor splice site in intron 26 of the ABCC6 gene. It is expected to disrupt RNA splicing. Variants that disrupt the donor or acceptor splice site typically lead to a loss of protein function (PMID: 16199547), and loss-of-function variants in ABCC6 are known to be pathogenic (PMID: 11536079, 17617515). This variant is present in population databases (rs63750273, gnomAD 0.009%). Disruption of this splice site has been observed in individual(s) with clinical features of ABCC6-related conditions (PMID: 10811882, 22209248, 24008425, 28655553). It has also been observed to segregate with disease in related individuals. ClinVar contains an entry for this variant (Variation ID: 6574). Algorithms developed to predict the effect of sequence changes on RNA splicing suggest that this variant may disrupt the consensus splice site. For these reasons, this variant has been classified as Pathogenic.

Blueprint Genetics
Classification: Pathogenic for ABCC6-related disorders. Last evaluated: 2024-09-25. Review status: criteria provided, single submitter. Criteria: ACMG Guidelines, 2015. Collection method: clinical testing. Allele origin: germline. Affected: yes. Observed: 5 variant alleles.

Fulgent Genetics
Classification: Pathogenic for Pseudoxanthoma elasticum, forme fruste; Autosomal recessive inherited pseudoxanthoma elasticum; Arterial calcification, generalized, of infancy, 2. Last evaluated: 2024-06-07. Review status: criteria provided, single submitter. Criteria: ACMG Guidelines, 2015. Collection method: clinical testing. Allele origin: germline.

Department of Pathology and Laboratory Medicine, Sinai Health System
Classification: Pathogenic for Arterial calcification, generalized, of infancy, 2; Pseudoxanthoma elasticum, forme fruste; Autosomal recessive inherited pseudoxanthoma elasticum. Last evaluated: 2022-09-15. Review status: criteria provided, single submitter. Criteria: ACMG Guidelines, 2015. Collection method: research. Allele origin: germline.

Institute of Human Genetics, University of Leipzig Medical Center
Classification: Pathogenic for Autosomal recessive inherited pseudoxanthoma elasticum. Last evaluated: 2022-05-16. Review status: criteria provided, single submitter. Criteria: ACMG Guidelines, 2015. Collection method: clinical testing. Allele origin: unknown. Affected: no.
Comment: _x000D_Index is not affected, no second variant was found in ABCC6 Criteria applied: PVS1, PM3_STR, PM2_SUP

Revvity Omics, Revvity
Classification: Pathogenic. Last evaluated: 2022-04-27. Review status: criteria provided, single submitter. Criteria: ACMG Guidelines, 2015. Collection method: clinical testing. Allele origin: germline.

Kariminejad - Najmabadi Pathology & Genetics Center
Classification: Likely pathogenic for Autosomal recessive inherited pseudoxanthoma elasticum. Review status: criteria provided, single submitter. Criteria: ACMG Guidelines, 2015. Collection method: clinical testing. Allele origin: germline. Affected: no.

PXE International
Classification: Pathogenic for Autosomal recessive inherited pseudoxanthoma elasticum. Last evaluated: 2021-03-12. Review status: no assertion criteria provided. Collection method: research. Allele origin: germline. Inheritance: Autosomal recessive inheritance. Affected: yes. Observed: 8 variant alleles. Clinical features observed: Papule (HP:0200034), Skin plaque (HP:0200035), Angioid streaks (HP:0001102), Retinal hemorrhage (HP:0000573), Gastrointestinal hemorrhage (HP:0002239), Weak or absent arterial pulse, Myocardial infarction (HP:0001658), Vascular surgery, Intermittent claudication (HP:0004417). Not counted in ClinVar's aggregate classification.

OMIM
Classification: Pathogenic for PSEUDOXANTHOMA ELASTICUM. Last evaluated: 2012-01-13. Review status: no assertion criteria provided. Collection method: literature only. Allele origin: germline. Not counted in ClinVar's aggregate classification.

OMIM
Classification: Pathogenic for ARTERIAL CALCIFICATION, GENERALIZED, OF INFANCY, 2. Last evaluated: 2012-01-13. Review status: no assertion criteria provided. Collection method: literature only. Allele origin: germline. Not counted in ClinVar's aggregate classification.

Dr. Peter K. Rogan Lab, Western University
No classification provided (evidence only). Condition: Familial cancer of breast. Review status: no classification provided. Collection method: in vitro. Allele origin: not applicable. Functional consequence: retained intron. Not counted in ClinVar's aggregate classification.

Literature cited by the submitters: PubMed 16199547 (cited by Labcorp Genetics (formerly Invitae), Labcorp); PubMed 11536079 (cited by Labcorp Genetics (formerly Invitae), Labcorp); PubMed 17617515 (cited by Labcorp Genetics (formerly Invitae), Labcorp); PubMed 10811882 (cited by Labcorp Genetics (formerly Invitae), Labcorp); PubMed 22209248 (cited by 3 submitters); PubMed 24008425 (cited by Labcorp Genetics (formerly Invitae), Labcorp); PubMed 28655553 (cited by Labcorp Genetics (formerly Invitae), Labcorp); PubMed 16835894 (cited by PXE International); PubMed 11179012 (cited by OMIM).

NM_001171.6(ABCC6):c.3736-1G>A

Gene: ABCC6 (ATP binding cassette subfamily C member 6; minus strand). Cytogenetic location: 16p13.11.
Variant type: single nucleotide variant.
Coding change: c.3736-1G>A on transcript NM_001171.6 (MANE Select); the canonical splice acceptor site of the intron before coding-DNA position 3736, G replaced by A.
Molecular consequence: splice acceptor variant.
Genome position (GRCh38, 1-based): chr16:16,157,810, C>T on the plus strand (G>A on the coding strand, the complement: ABCC6 is on the minus strand). VCF-style: chr16-16157810-C-T. GRCh37 (hg19) VCF-style: chr16-16251667-C-T.
Other names: IVS26AS, G-A, -1; c.3394-1G>A (NM_001351800.1).
Identifiers: ClinVar variation 6574 (VCV000006574.19), dbSNP rs63750273, ClinGen allele CA129119.